The following is an entry in ClinVar:

ClinVar aggregate classification (germline): Pathogenic (1 of 4 stars; one submission).

Submission:

Labcorp Genetics (formerly Invitae), Labcorp
Classification: Pathogenic. Last evaluated: 2023-07-09. Review status: criteria provided, single submitter. Criteria: Invitae Variant Classification Sherloc (09022015). Collection method: clinical testing. Allele origin: germline.
Comment: For these reasons, this variant has been classified as Pathogenic. This variant has not been reported in the literature in individuals affected with ASNS-related conditions. This variant is not present in population databases (gnomAD no frequency). This sequence change creates a premature translational stop signal (p.Ser367*) in the ASNS gene. It is expected to result in an absent or disrupted protein product. Loss-of-function variants in ASNS are known to be pathogenic (PMID: 27422383, 30057589).

Literature cited by the submitters: PubMed 27422383; PubMed 30057589.

NM_001673.5(ASNS):c.1100C>G (p.Ser367Ter)

Genes: ASNS (asparagine synthetase (glutamine-hydrolyzing); minus strand), CZ1P-ASNS (CZ1P-ASNS readthrough; minus strand). Cytogenetic location: 7q21.3.
Variant type: single nucleotide variant.
Coding change: c.1100C>G on transcript NM_001673.5 (MANE Select); coding-DNA position 1100, C replaced by G.
Protein change: p.Ser367Ter; replaces serine 367 with a stop codon.
Molecular consequence: nonsense. On other transcripts: non-coding transcript variant (1).
Genome position (GRCh38, 1-based): chr7:97,855,390, G>C on the plus strand (C>G on the coding strand, the complement: ASNS is on the minus strand). VCF-style: chr7-97855390-G-C. GRCh37 (hg19) VCF-style: chr7-97484702-G-C.
Other names: c.1037C>G, p.Ser346Ter (NM_001178075.2); c.851C>G, p.Ser284Ter (NM_001178076.2, NM_001178077.1); c.1100C>G, p.Ser367Ter (NM_001352496.2, NM_133436.3, NM_183356.4); short protein forms S346*, S284*, S367*.
Identifiers: ClinVar variation 2739686 (VCV002739686.3), dbSNP rs2484642389, ClinGen allele CA368265627.
Genomic context (GRCh38, chr7:97,855,390, plus strand): 5'-TCCCTCCACTTCAGAGTGGTTACCTTGTGAAAATATATGTAACCCTGCGTAAGTTCATCT[G>C]ATCCTTCTCCAGAGAAGATCACCACGCTATCTGTGTTCTTCCGAATATACTTGGAAATTA-3'